The following is an entry in ClinVar:

ClinVar aggregate classification (germline): Benign/Likely benign. Review status: criteria provided, multiple submitters, no conflicts (2 of 4 stars). 7 submissions from 7 submitters: Benign (1); Likely benign (6). Last evaluated 2025-10-16.

Conditions:
Juvenile polyposis syndrome (JPS). Identifiers: Orphanet 2929, MedGen C0345893, MONDO:0017380, OMIM 174900.
Hereditary cancer-predisposing syndrome. Also called: Neoplastic Syndromes, Hereditary; Hereditary Cancer Syndrome; Hereditary neoplastic syndrome; Tumor predisposition. Identifiers: Orphanet 140162, MedGen C0027672, MeSH D009386, MONDO:0015356.
Familial thoracic aortic aneurysm and aortic dissection (TAAD). Also called: Thoracic aortic aneurysms and dissections. Identifiers: Orphanet 91387, MedGen C4707243, MONDO:0019625.
Juvenile polyposis/hereditary hemorrhagic telangiectasia syndrome (JPHT). Also called: POLYPOSIS, GENERALIZED JUVENILE, WITH PULMONARY ARTERIOVENOUS MALFORMATION; TELANGIECTASIA, HEREDITARY HEMORRHAGIC, WITH JUVENILE POLYPOSIS COLI; Juvenile Polyposis Syndrome / Hereditary Hemorrhagic Telangiectasia (JPS/HHT); JP/HHT SYNDROME; JUVENILE POLYPOSIS WITH HEREDITARY HEMORRHAGIC TELANGIECTASIA. Identifiers: Orphanet 2929, MedGen C1832942, MONDO:0008278, OMIM 175050.

Allele frequency attached by ClinVar (database versions not stated): gnomAD exomes below 0.00001 and 0.00001; TOPMed 0.00002; gnomAD 0.00003 and 0.00004.
gnomAD v4.1: 8 of 1,610,652 alleles (0.0005%); highest among the groups gnomAD compares: Admixed American, 0.013%; no homozygotes.

Submissions (7):

Labcorp Genetics (formerly Invitae), Labcorp
Classification: Likely benign for Juvenile polyposis syndrome. Last evaluated: 2025-10-16. Review status: criteria provided, single submitter. Criteria: Invitae Variant Classification Sherloc (09022015). Collection method: clinical testing. Allele origin: germline.

Myriad Genetics, Inc.
Classification: Benign for Juvenile polyposis/hereditary hemorrhagic telangiectasia syndrome. Last evaluated: 2025-03-21. Review status: criteria provided, single submitter. Criteria: Myriad Autosomal Dominant, Autosomal Recessive and X-Linked Classification Criteria (2023). Collection method: clinical testing. Allele origin: unknown.
Comment: This variant is considered benign. This variant is a silent/synonymous amino acid change and it is not expected to impact splicing.

All of Us Research Program, National Institutes of Health
Classification: Likely benign for Juvenile polyposis/hereditary hemorrhagic telangiectasia syndrome. Last evaluated: 2024-08-13. Review status: criteria provided, single submitter. Criteria: ACMG Guidelines, 2015. Collection method: clinical testing. Allele origin: germline. Inheritance: Autosomal dominant inheritance. Observed: 2 variant alleles, 2 heterozygotes.
Comment: This study involves interpretation of variants in research participants for the purpose of population health screening. Participant phenotype was not available at the time of variant classification. Additional details can be found in publication PMID: 35346344, PMCID: PMC8962531

Ambry Genetics
Classification: Likely benign for Hereditary cancer-predisposing syndrome; Familial thoracic aortic aneurysm and aortic dissection. Last evaluated: 2020-01-16. Review status: criteria provided, single submitter. Criteria: Ambry Variant Classification Scheme 2023. Collection method: clinical testing. Allele origin: germline.

Women's Health and Genetics/Laboratory Corporation of America, LabCorp
Classification: Likely benign. Last evaluated: 2019-08-29. Review status: criteria provided, single submitter. Criteria: LabCorp Variant Classification Summary - May 2015. Collection method: clinical testing. Allele origin: germline.

Color Diagnostics, LLC DBA Color Health
Classification: Likely benign for Hereditary cancer-predisposing syndrome. Last evaluated: 2018-11-27. Review status: criteria provided, single submitter. Criteria: ACMG Guidelines, 2015. Collection method: clinical testing. Allele origin: germline.

GeneDx
Classification: Likely benign. Last evaluated: 2016-04-21. Review status: criteria provided, single submitter. Criteria: GeneDx Variant Classification (06012015). Collection method: clinical testing. Allele origin: germline. Affected: yes.
Comment: This variant is considered likely benign or benign based on one or more of the following criteria: it is a conservative change, it occurs at a poorly conserved position in the protein, it is predicted to be benign by multiple in silico algorithms, and/or has population frequency not consistent with disease.

NM_005359.6(SMAD4):c.1236C>T (p.Tyr412=)

Gene: SMAD4 (SMAD family member 4; plus strand). Cytogenetic location: 18q21.2.
Variant type: single nucleotide variant.
Coding change: c.1236C>T on transcript NM_005359.6 (MANE Select); coding-DNA position 1236, C replaced by T.
Protein change: p.Tyr412=; no amino-acid change (tyrosine 412 retained).
Molecular consequence: synonymous variant.
Genome position (GRCh38, 1-based): chr18:51,067,115, C>T. VCF-style: chr18-51067115-C-T. GRCh37 (hg19) VCF-style: chr18-48593485-C-T.
Identifiers: ClinVar variation 385763 (VCV000385763.18), dbSNP rs121912577, ClinGen allele CA16607948.